The following is an entry in ClinVar:

ClinVar aggregate classification (germline): Uncertain significance (1 of 4 stars; one submission).

Submission:

GeneDx
Classification: Uncertain significance. Last evaluated: 2024-07-24. Review status: criteria provided, single submitter. Criteria: GeneDx Variant Classification Process June 2021. Collection method: clinical testing. Allele origin: germline. Affected: yes.
Comment: Not observed at significant frequency in large population cohorts (gnomAD); In silico analysis indicates that this missense variant does not alter protein structure/function; Has not been previously published as pathogenic or benign to our knowledge

NM_057175.5(NAA15):c.2164G>A (p.Glu722Lys)

Gene: NAA15 (N-alpha-acetyltransferase 15, NatA auxiliary subunit; plus strand). Cytogenetic location: 4q31.1.
Variant type: single nucleotide variant.
Coding change: c.2164G>A on transcript NM_057175.5 (MANE Select); coding-DNA position 2164, G replaced by A.
Protein change: p.Glu722Lys; replaces glutamic acid 722 with lysine.
Molecular consequence: missense variant.
Genome position (GRCh38, 1-based): chr4:139,384,840, G>A. VCF-style: chr4-139384840-G-A. GRCh37 (hg19) VCF-style: chr4-140305994-G-A.
Other names: c.2161G>A, p.Glu721Lys (NM_001410842.1); short protein forms E721K, E722K.
Identifiers: ClinVar variation 3602299 (VCV003602299.1).